The following is an entry in ClinVar:

NM_000282.4(PCCA):c.1613T>A (p.Leu538Ter)

Gene: PCCA (propionyl-CoA carboxylase subunit alpha; plus strand). Cytogenetic location: 13q32.3.
Variant type: single nucleotide variant.
Coding change: c.1613T>A on transcript NM_000282.4 (MANE Select); coding-DNA position 1613, T replaced by A.
Protein change: p.Leu538Ter; replaces leucine 538 with a stop codon.
Molecular consequence: nonsense. On other transcripts: non-coding transcript variant (5).
Genome position (GRCh38, 1-based): chr13:100,340,229, T>A. VCF-style: chr13-100340229-T-A. GRCh37 (hg19) VCF-style: chr13-100992483-T-A.
Other names: c.1535T>A, p.Leu512Ter (NM_001127692.3, NM_001352607.2); c.1613T>A, p.Leu538Ter (NM_001178004.2, NM_001352605.2, NM_001352609.2); c.1469T>A, p.Leu490Ter (NM_001352606.2); c.1391T>A, p.Leu464Ter (NM_001352608.2); c.668T>A, p.Leu223Ter (NM_001352610.2, NM_001352611.2); c.524T>A, p.Leu175Ter (NM_001352612.2); short protein forms L175*, L223*, L464*, L490*, L512*, L538*.
Identifiers: ClinVar variation 5012875 (VCV005012875.1).
Genomic context (GRCh38, chr13:100,340,229, plus strand): 5'-CCAAGAGTGAGAAGAACCAGTTATTGGCAATAGCATCATCATTGTTTGTGGCATTCCAGT[T>A]AAGAGCACAACATTTTCAAGAAAATTCAAGGTATGGTAGATCATTTAAAACAGAATAAAT-3'

ClinVar aggregate classification (germline): Pathogenic (1 of 4 stars; one submission).

Conditions:
Propionic acidemia (PROP). Also called: GLYCINEMIA, KETOTIC; HYPERGLYCINEMIA WITH KETOACIDOSIS AND LEUKOPENIA; KETOTIC HYPERGLYCINEMIA. Identifiers: Orphanet 35, MedGen C0268579, MONDO:0011628, OMIM 606054, HP:0003571.

Submission:

Myriad Genetics, Inc.
Classification: Pathogenic for Propionic acidemia. Last evaluated: 2024-03-30. Review status: criteria provided, single submitter. Criteria: Myriad Autosomal Dominant, Autosomal Recessive and X-Linked Classification Criteria (2023). Collection method: clinical testing. Allele origin: unknown.
Comment: NM_000282.3(PCCA):c.1613T>A(L538*) is expected to be pathogenic in the context of PCCA-related propionic acidemia. This variant is predicted to lead to an abnormal or absent protein product due to the creation of a premature termination codon in PCCA, a gene where loss-of-function variants are known to be pathogenic. Please note: this variant was assessed in the context of healthy population screening.